The following is an entry in ClinVar:

NM_175882.3(SPPL2C):c.920G>A (p.Arg307Gln)

Genes: MAPT-AS1 (MAPT antisense RNA 1), SPPL2C (signal peptide peptidase like 2C). Cytogenetic location: 17q21.31.
Variant type: single nucleotide variant.
Coding change: c.920G>A on transcript NM_175882.3 (MANE Select); coding-DNA position 920, G replaced by A.
Protein change: p.Arg307Gln; replaces arginine 307 with glutamine.
Molecular consequence: missense variant.
Genome position (GRCh38, 1-based): chr17:45,845,826, G>A. VCF-style: chr17-45845826-G-A. GRCh37 (hg19) VCF-style: chr17-43923192-G-A.
Other names: short protein forms R307Q.
Identifiers: ClinVar variation 2647850 (VCV002647850.24), dbSNP rs148362814, ClinGen allele CA8617226.

ClinVar aggregate classification (germline): Likely benign (1 of 4 stars; one submission).

Allele frequency attached by ClinVar (database versions not stated): 1000 Genomes Project 0.00180; 1000 Genomes Project 30x 0.00187; ESP Exome Variant Server 0.00308; TOPMed 0.00314; ExAC 0.00346; gnomAD exomes 0.00545.

Submission:

CeGaT Center for Human Genetics Tuebingen
Classification: Likely benign. Last evaluated: 2022-11-01. Review status: criteria provided, single submitter. Criteria: CeGaT Center For Human Genetics Tuebingen Variant Classification Criteria Version 2. Collection method: clinical testing. Allele origin: germline. Affected: yes. Observed: 1 variant allele.
Comment: SPPL2C: BP4, BS2